The following is an entry in ClinVar:

NM_005676.5(RBM10):c.1974G>C (p.Trp658Cys)

Gene: RBM10 (RNA binding motif protein 10; plus strand). Cytogenetic location: Xp11.3.
Variant type: single nucleotide variant.
Coding change: c.1974G>C on transcript NM_005676.5 (MANE Select); coding-DNA position 1974, G replaced by C.
Protein change: p.Trp658Cys; replaces tryptophan 658 with cysteine.
Molecular consequence: missense variant.
Genome position (GRCh38, 1-based): chrX:47,185,078, G>C. VCF-style: chrX-47185078-G-C. GRCh37 (hg19) VCF-style: chrX-47044477-G-C.
Other names: c.1743G>C, p.Trp581Cys (NM_001204466.2); c.1971G>C, p.Trp657Cys (NM_001204467.2); c.2169G>C, p.Trp723Cys (NM_001204468.2); c.1740G>C, p.Trp580Cys (NM_152856.3); short protein forms W580C, W581C, W657C, W658C, W723C.
Identifiers: ClinVar variation 1806258 (VCV001806258.1), dbSNP rs2147209967, ClinGen allele CA412805889.

ClinVar aggregate classification (germline): Likely pathogenic (1 of 4 stars; one submission).

Conditions:
TARP syndrome (TARPS). Also called: PIERRE ROBIN SYNDROME WITH CONGENITAL HEART MALFORMATION AND CLUBFOOT; TALIPES EQUINOVARUS, ATRIAL SEPTAL DEFECT, ROBIN SEQUENCE, AND PERSISTENCE OF LEFT SUPERIOR VENA CAVA. Identifiers: Orphanet 2886, MedGen C1839463, MONDO:0010711, OMIM 311900.

Submission:

Victorian Clinical Genetics Services, Murdoch Childrens Research Institute
Classification: Likely pathogenic for TARP syndrome. Last evaluated: 2022-02-02. Review status: criteria provided, single submitter. Criteria: ACMG Guidelines, 2015. Collection method: clinical testing. Allele origin: germline. Inheritance: X-linked recessive inheritance. Affected: yes.
Comment: Based on the classification scheme VCGS_Germline_v1.3.4, this variant is classified as Likely pathogenic. Following criteria are met: 0102 - Loss of function is a known mechanism of disease in this gene and is associated with TARP syndrome (MIM#311900). (I) 0109 - This gene is associated with X-linked recessive disease. (I) 0200 - Variant is predicted to result in a missense amino acid change from tryptophan to cysteine. (I) 0253 - This variant is hemizygous. (I) 0301 - Variant is absent from gnomAD (both v2 and v3). (SP) 0501 - Missense variant consistently predicted to be damaging by multiple in silico tools or highly conserved with a major amino acid change. (SP) 0603 - Missense variant in a region that is highly intolerant to missense variation (high constraint region in DECIPHER). (SP) 0705 - No comparable missense variants have previous evidence for pathogenicity. (I) 0807 - This variant has no previous evidence of pathogenicity. (I) 0905 - No published segregation evidence has been identified for this variant. (I) 1007 - No published functional evidence has been identified for this variant. (SP) Legend: (SP) - Supporting pathogenic, (I) - Information, (SB) - Supporting benign

Literature cited by the submitters: PubMed 32812661.